The following is an entry in ClinVar:

ClinVar aggregate classification (germline): Uncertain significance. Review status: criteria provided, multiple submitters, no conflicts (2 of 4 stars). 2 submissions from 2 submitters: Uncertain significance (2). Last evaluated 2024-10-22.

Conditions:
Cernunnos-XLF deficiency (IMD124). Also called: SCID, AUTOSOMAL RECESSIVE, T CELL-NEGATIVE, B CELL-NEGATIVE, NK CELL-POSITIVE, WITH MICROCEPHALY, GROWTH RETARDATION, AND SENSITIVITY TO IONIZING RADIATION; Severe combined immunodeficiency with sensitivity to ionizing radiation due to NHEJ1 deficiency; SCID, autosomal recessive, T cell-negative, B cell-negative, NK cell-positive, and sensitivity to ionizing radiation due to NHEJ1 deficiency; IMMUNODEFICIENCY 124, SEVERE COMBINED; NHEJ1 SYNDROME. Identifiers: Orphanet 169079, MedGen C1969799, MONDO:0012650, OMIM 611291.

Submissions (2):

Labcorp Genetics (formerly Invitae), Labcorp
Classification: Uncertain significance for Cernunnos-XLF deficiency. Last evaluated: 2024-10-22. Review status: criteria provided, single submitter. Criteria: Invitae Variant Classification Sherloc (09022015). Collection method: clinical testing. Allele origin: germline.
Comment: This sequence change replaces alanine, which is neutral and non-polar, with leucine, which is neutral and non-polar, at codon 269 of the NHEJ1 protein (p.Ala269Leu). This variant is present in population databases (no rsID available, gnomAD 0.003%). This variant has not been reported in the literature in individuals affected with NHEJ1-related conditions. ClinVar contains an entry for this variant (Variation ID: 1380965). An algorithm developed to predict the effect of missense changes on protein structure and function (PolyPhen-2) suggests that this variant¬†is likely to be tolerated. In summary, the available evidence is currently insufficient to determine the role of this variant in disease. Therefore, it has been classified as a Variant of Uncertain Significance.

Revvity Omics, Revvity
Classification: Uncertain significance for Cernunnos-XLF deficiency. Last evaluated: 2021-04-21. Review status: criteria provided, single submitter. Criteria: ACMG Guidelines, 2015. Collection method: clinical testing. Allele origin: germline.

NM_024782.3(NHEJ1):c.805_806delinsTT (p.Ala269Leu)

Genes: NHEJ1 (non-homologous end joining factor 1; minus strand), LOC126806516 (BRD4-independent group 4 enhancer GRCh37_chr2:219941606-219942805; plus strand). Cytogenetic location: 2q35.
Variant type: Indel.
Coding change: c.805_806delinsTT on transcript NM_024782.3 (MANE Select); coding-DNA positions 805 to 806, GC replaced by TT.
Protein change: p.Ala269Leu; replaces alanine 269 with leucine.
Molecular consequence: missense variant. On other transcripts: non-coding transcript variant (1).
Genome position (GRCh38, 1-based): chr2:219,077,265-219,077,266, GC replaced by AA on the plus strand (GC replaced by TT on the coding strand, the reverse complement: NHEJ1 is on the minus strand). VCF-style: chr2-219077265-GC-AA. GRCh37 (hg19) VCF-style: chr2-219941987-GC-AA.
Other names: c.805_806delinsTT (NM_024782.2); c.805_806delinsTT, p.Ala269Leu (NM_001377498.1); c.820_821delinsTT, p.Ala274Leu (NM_001377499.1); short protein forms A269L, A274L.
Identifiers: ClinVar variation 1380965 (VCV001380965.7), dbSNP rs2106319460, ClinGen allele CA2573135333.